The following is an entry in ClinVar:

NM_003242.6(TGFBR2):c.264-5T>G

Gene: TGFBR2 (transforming growth factor beta receptor 2; plus strand). Cytogenetic location: 3p24.1.
Variant type: single nucleotide variant.
Coding change: c.264-5T>G on transcript NM_003242.6 (MANE Select); 5 bases into the intron before coding-DNA position 264, T replaced by G.
Molecular consequence: intron variant.
Genome position (GRCh38, 1-based): chr3:30,650,265, T>G. VCF-style: chr3-30650265-T-G. GRCh37 (hg19) VCF-style: chr3-30691757-T-G.
Other names: c.159-5T>G (NM_001407129.1, NM_001407132.1, NM_001407136.1 and 3 more transcripts); c.339-5T>G (NM_001407126.1, NM_001024847.3, NM_001407139.1); c.170-21373T>G (NM_001407137.1); c.264-5T>G (NM_001407127.1, NM_001407130.1); c.95-21373T>G (NM_001407138.1); c.291-5T>G (NM_001407128.1).
Identifiers: ClinVar variation 543906 (VCV000543906.10), dbSNP rs1315800025, ClinGen allele CA541974716.

ClinVar aggregate classification (germline): Likely benign. Review status: criteria provided, multiple submitters, no conflicts (2 of 4 stars). 4 submissions from 4 submitters: Likely benign (4). Last evaluated 2025-06-23.

Conditions:
Diabetic retinopathy. Identifiers: MedGen C0011884, MONDO:0005266.
Familial thoracic aortic aneurysm and aortic dissection (TAAD). Also called: Thoracic aortic aneurysms and dissections. Identifiers: Orphanet 91387, MedGen C4707243, MONDO:0019625.

Allele frequency attached by ClinVar (database versions not stated): gnomAD exomes below 0.00001.
gnomAD v4.1: 1 of 1,613,772 alleles (0.000062%); highest among the groups gnomAD compares: Non-Finnish European, 0.000085%; no homozygotes.

Submissions (4):

Women's Health and Genetics/Laboratory Corporation of America, LabCorp
Classification: Likely benign. Last evaluated: 2025-06-23. Review status: criteria provided, single submitter. Criteria: LabCorp Variant Classification Summary - May 2015. Collection method: clinical testing. Allele origin: germline.

Color Diagnostics, LLC DBA Color Health
Classification: Likely benign for Familial thoracic aortic aneurysm and aortic dissection. Last evaluated: 2024-12-23. Review status: criteria provided, single submitter. Criteria: ACMG Guidelines, 2015. Collection method: clinical testing. Allele origin: germline.

Labcorp Genetics (formerly Invitae), Labcorp
Classification: Likely benign for Familial thoracic aortic aneurysm and aortic dissection. Last evaluated: 2024-02-24. Review status: criteria provided, single submitter. Criteria: Invitae Variant Classification Sherloc (09022015). Collection method: clinical testing. Allele origin: germline.

Clinical Genomics, Uppaluri K&H Personalized Medicine Clinic
Classification: Likely benign for Diabetic retinopathy. Review status: criteria provided, single submitter. Criteria: K And H Uppaluri Personalized Medicine Clinic Variant Classification And Assertion Criteria Updated V 2. Collection method: research. Allele origin: unknown.
Comment: Potent mutations in TGFBR2 gene encodes the transforming growth factor that have been associated with angiogenesis and diabetic retinopathy. More clinical studies are needed for stronger association. However, more evidence is required to confer the association of this particular variant rs1315800025 with diabetic retinopathy.

Literature cited by the submitters: PubMed 30222965 (cited by Clinical Genomics, Uppaluri K&H Personalized Medicine Clinic); PubMed 28162229 (cited by Clinical Genomics, Uppaluri K&H Personalized Medicine Clinic); PubMed 34572573 (cited by Clinical Genomics, Uppaluri K&H Personalized Medicine Clinic).